The following is an entry in ClinVar:

ClinVar aggregate classification (germline): Uncertain significance. Review status: criteria provided, multiple submitters, no conflicts (2 of 4 stars). 3 submissions from 3 submitters: Uncertain significance (3). Last evaluated 2024-10-24.

Conditions:
Inborn genetic diseases. Identifiers: MedGen C0950123, MeSH D030342.
Peroxisome biogenesis disorder 11A (Zellweger). Also called: Peroxisome biogenesis disorder 11A. Identifiers: Orphanet 912, MedGen C3554000, MONDO:0013949, OMIM 614883.

Allele frequency attached by ClinVar (database versions not stated): gnomAD exomes below 0.00001.
gnomAD v4.1: 3 of 1,613,470 alleles (0.00019%); highest among the groups gnomAD compares: East Asian, 0.0022%; no homozygotes.

Submissions (3):

Labcorp Genetics (formerly Invitae), Labcorp
Classification: Uncertain significance for Peroxisome biogenesis disorder 11A (Zellweger). Last evaluated: 2024-10-24. Review status: criteria provided, single submitter. Criteria: Invitae Variant Classification Sherloc (09022015). Collection method: clinical testing. Allele origin: germline.
Comment: This sequence change replaces isoleucine, which is neutral and non-polar, with valine, which is neutral and non-polar, at codon 291 of the PEX13 protein (p.Ile291Val). This variant is present in population databases (no rsID available, gnomAD 0.003%). This variant has not been reported in the literature in individuals affected with PEX13-related conditions. ClinVar contains an entry for this variant (Variation ID: 502800). Invitae Evidence Modeling of protein sequence and biophysical properties (such as structural, functional, and spatial information, amino acid conservation, physicochemical variation, residue mobility, and thermodynamic stability) indicates that this missense variant is not expected to disrupt PEX13 protein function with a negative predictive value of 80%. In summary, the available evidence is currently insufficient to determine the role of this variant in disease. Therefore, it has been classified as a Variant of Uncertain Significance.

Ambry Genetics
Classification: Uncertain significance for Inborn genetic diseases. Last evaluated: 2023-12-22. Review status: criteria provided, single submitter. Criteria: Ambry Variant Classification Scheme 2023. Collection method: clinical testing. Allele origin: germline.

Eurofins Ntd Llc (ga)
Classification: Uncertain significance. Last evaluated: 2017-06-30. Review status: criteria provided, single submitter. Criteria: EGL Classification Definitions 2015. Collection method: clinical testing. Allele origin: germline. Observed: 1 variant allele, 1 heterozygote.

NM_002618.4(PEX13):c.871A>G (p.Ile291Val)

Gene: PEX13 (peroxisomal biogenesis factor 13; plus strand). Cytogenetic location: 2p15.
Variant type: single nucleotide variant.
Coding change: c.871A>G on transcript NM_002618.4 (MANE Select); coding-DNA position 871, A replaced by G.
Protein change: p.Ile291Val; replaces isoleucine 291 with valine.
Molecular consequence: missense variant.
Genome position (GRCh38, 1-based): chr2:61,045,809, A>G. VCF-style: chr2-61045809-A-G. GRCh37 (hg19) VCF-style: chr2-61272944-A-G.
Other names: c.871A>G (NM_002618.3); short protein forms I291V.
Identifiers: ClinVar variation 502800 (VCV000502800.11), dbSNP rs1444535263, ClinGen allele CA346948707.
Genomic context (GRCh38, chr2:61,045,809, plus strand): 5'-GAGGATGACCATGTAGTTGCCAGAGCAGAATATGATTTTGCTGCCGTATCTGAAGAAGAA[A>G]TTTCTTTCCGGGCTGGTGATATGCTGAACTTAGCTCTCAAAGGTAATAAATTATGAATAA-3'
Protein context (NP_002609.1, residues 281-301): YDFAAVSEEE[Ile291Val]SFRAGDMLNL